The following is an entry in ClinVar:

ClinVar aggregate classification (germline): Likely pathogenic (1 of 4 stars; one submission).

Conditions:
MEHMO syndrome (MEHMO). Also called: Mental retardation, X-linked, syndromic, Borck type; MENTAL RETARDATION, X-LINKED, SYNDROMIC 20; MENTAL RETARDATION, X-LINKED, SYNDROMIC 25. Identifiers: Orphanet 85282, MedGen C1846278, MONDO:0010258, OMIM 300148.

Submission:

Laboratory of Functional Genomics, Research Centre for Medical Genetics
Classification: Likely pathogenic for MEHMO syndrome. Last evaluated: 2021-05-08. Review status: criteria provided, single submitter. Criteria: ACMG Guidelines, 2015. Collection method: clinical testing, in vitro. Allele origin: maternal, not applicable. Inheritance: X-linked recessive inheritance. Affected: yes. Observed: 2 variant alleles, 2 hemizygotes. Clinical features observed: EEG abnormality (HP:0002353), External genital hypoplasia (HP:0003241), Growth delay (HP:0001510), Hypoplasia of penis (HP:0008736), Severe intellectual disability (HP:0010864), Microcephaly (HP:0000252), Micropenis (HP:0000054), Obesity (HP:0001513), Round face (HP:0000311), Severe global developmental delay (HP:0011344), Downturned corners of mouth (HP:0002714), Full cheeks (HP:0000293), and 4 more. Functional consequence: Decreased function.
Comment: The p.Leu274Val variant meets ACMG criteria to be classified as likely pathogenic variant (PS3, PM2, PP1, PP4). The p.Leu274Val variant had been described in 2 male cousins with MEHMO syndrome and segregated in 3 generations of the family in X-linked recessive manner. This variant is absent from large population studies. Both affected individuals have highly specific features of MEHMO syndrome and EIF2S3 gene is the only one associated with this disorder. In vitro functional study indicates that the p.Leu274Val variant impair eIF2 protein function.

NM_001415.4(EIF2S3):c.820C>G (p.Leu274Val)

Gene: EIF2S3 (eukaryotic translation initiation factor 2 subunit gamma; plus strand). Cytogenetic location: Xp22.11.
Variant type: single nucleotide variant.
Coding change: c.820C>G on transcript NM_001415.4 (MANE Select); coding-DNA position 820, C replaced by G.
Protein change: p.Leu274Val; replaces leucine 274 with valine.
Molecular consequence: missense variant.
Genome position (GRCh38, 1-based): chrX:24,066,045, C>G. VCF-style: chrX-24066045-C-G. GRCh37 (hg19) VCF-style: chrX-24084162-C-G.
Other names: short protein forms L274V.
Identifiers: ClinVar variation 1077096 (VCV001077096.4), dbSNP rs2147128410, ClinGen allele CA412596263.